The following is an entry in ClinVar:

NM_005592.4(MUSK):c.2331C>T (p.Asn777=)

Gene: MUSK (muscle associated receptor tyrosine kinase; plus strand). Cytogenetic location: 9q31.3.
Variant type: single nucleotide variant.
Coding change: c.2331C>T on transcript NM_005592.4 (MANE Select); coding-DNA position 2331, C replaced by T.
Protein change: p.Asn777=; no amino-acid change (asparagine 777 retained).
Molecular consequence: synonymous variant.
Genome position (GRCh38, 1-based): chr9:110,800,709, C>T. VCF-style: chr9-110800709-C-T. GRCh37 (hg19) VCF-style: chr9-113562989-C-T.
Other names: c.2073C>T, p.Asn691= (NM_001166280.2); c.2043C>T, p.Asn681= (NM_001166281.2); c.1071C>T, p.Asn357= (NM_001369398.1).
Identifiers: ClinVar variation 364615 (VCV000364615.16), dbSNP rs56394142, ClinGen allele CA5184610.
Genomic context (GRCh38, chr9:110,800,709, plus strand): 5'-AGCTAATGAAAACGACGCTATCCCTATCCGTTGGATGCCACCAGAGTCCATTTTTTATAA[C>T]CGCTACACTACAGAGTCTGATGTGTGGGCCTATGGCGTGGTCCTCTGGGAGATCTTCTCC-3'
Protein context (NP_005583.1, residues 767-787): RWMPPESIFY[Asn777=]RYTTESDVWA

ClinVar aggregate classification (germline): Benign/Likely benign. Review status: criteria provided, multiple submitters, no conflicts (2 of 4 stars). 3 submissions from 3 submitters: Benign (1); Likely benign (2). Last evaluated 2026-01-22.

Conditions:
Congenital myasthenic syndrome 9. Also called: Myasthenic syndrome, congenital, 9, associated with acetylcholine receptor deficiency. Identifiers: Orphanet 590, MedGen C4225368, MONDO:0014587, OMIM 616325.
Fetal akinesia deformation sequence 1 (FADS1). Also called: Pena-Shokeir syndrome type I; Fetal akinesia sequence. Identifiers: Orphanet 994, MedGen C1276035, MONDO:0100101, OMIM 208150, HP:0001989.

Allele frequency attached by ClinVar (database versions not stated): ESP Exome Variant Server 0.00008; gnomAD 0.00025 and 0.00038; TOPMed 0.00037; gnomAD exomes 0.00091; ExAC 0.00094; 1000 Genomes Project 30x 0.00234; 1000 Genomes Project 0.00240.
gnomAD v4.1: 442 of 1,613,936 alleles (0.027%); highest among the groups gnomAD compares: East Asian, 0.64%; 2 homozygotes.

Submissions (3):

Labcorp Genetics (formerly Invitae), Labcorp
Classification: Benign for Congenital myasthenic syndrome 9; Fetal akinesia deformation sequence 1. Last evaluated: 2026-01-22. Review status: criteria provided, single submitter. Criteria: Invitae Variant Classification Sherloc (09022015). Collection method: clinical testing. Allele origin: germline.

Blueprint Genetics
Classification: Likely benign. Last evaluated: 2024-10-23. Review status: criteria provided, single submitter. Criteria: ACMG Guidelines, 2015. Collection method: clinical testing. Allele origin: germline.

Illumina Laboratory Services, Illumina
Classification: Likely benign for Congenital myasthenic syndrome 9. Last evaluated: 2018-01-12. Review status: criteria provided, single submitter. Criteria: ICSL Variant Classification Criteria 13 December 2019. Collection method: clinical testing. Allele origin: germline.
Comment: This variant was observed in the ICSL laboratory as part of a predisposition screen in an ostensibly healthy population. It had not been previously curated by ICSL or reported in the Human Gene Mutation Database (HGMD: prior to June 1st, 2018), and was therefore a candidate for classification through an automated scoring system. Utilizing variant allele frequency, disease prevalence and penetrance estimates, and inheritance mode, an automated score was calculated to assess if this variant is too frequent to cause the disease. Based on the score and internal cut-off values, a variant classified as likely benign is not then subjected to further curation. The score for this variant resulted in a classification of likely benign for this disease.